The following is an entry in ClinVar:

NM_020738.4(KIDINS220):c.1441+6G>A

Gene: KIDINS220 (kinase D interacting substrate 220; minus strand). Cytogenetic location: 2p25.1.
Variant type: single nucleotide variant.
Coding change: c.1441+6G>A on transcript NM_020738.4 (MANE Select); 6 bases into the intron after coding-DNA position 1441, G replaced by A.
Molecular consequence: intron variant.
Genome position (GRCh38, 1-based): chr2:8,791,054, C>T on the plus strand (G>A on the coding strand, the complement: KIDINS220 is on the minus strand). VCF-style: chr2-8791054-C-T. GRCh37 (hg19) VCF-style: chr2-8931184-C-T.
Other names: c.1441+6G>A (NM_001348741.2, NM_001348738.2, NM_001348742.2 and 3 more transcripts); c.1444+6G>A (NM_001348739.2, NM_001348740.2, NM_001348734.2 and 3 more transcripts); c.1315+6G>A (NM_001348736.2).
Identifiers: ClinVar variation 4981960 (VCV004981960.1).

ClinVar aggregate classification (germline): Likely benign (1 of 4 stars; one submission).

Conditions:
KIDINS220-related disorder. Also called: KIDINS220-related condition.

gnomAD v4.1: 18 of 1,611,532 alleles (0.0011%); highest among the groups gnomAD compares: Non-Finnish European, 0.0014%; no homozygotes.

Submission:

PreventionGenetics, part of Exact Sciences
Classification: Likely benign for KIDINS220-related condition. Last evaluated: 2025-05-29. Review status: criteria provided, single submitter. Criteria: ACMG Guidelines, 2015. Collection method: clinical testing. Allele origin: germline.
Comment: This variant is classified as likely benign based on ACMG/AMP sequence variant interpretation guidelines (Richards et al. 2015 PMID: 25741868, with internal and published modifications).